The following is an entry in ClinVar:

ClinVar aggregate classification (germline): Benign/Likely benign. Review status: criteria provided, multiple submitters, no conflicts (2 of 4 stars). 5 submissions from 5 submitters: Benign (4); Likely benign (1). Last evaluated 2025-02-16.

Submissions (5):

Laboratory of Genetics, Children's Clinical University Hospital Latvia
Classification: Benign. Last evaluated: 2025-02-16. Review status: criteria provided, single submitter. Criteria: ACMG Guidelines, 2015. Collection method: clinical testing. Allele origin: germline. Affected: yes.

Laboratory for Molecular Medicine, Mass General Brigham Personalized Medicine
Classification: Benign. Last evaluated: 2023-08-22. Review status: criteria provided, single submitter. Criteria: ACMG Guidelines, 2015. Collection method: clinical testing. Allele origin: germline.
Comment: The p.Pro525del variant in ALMS1 is classified as benign because it has been identified in 63.8% (26295/41186) of African chromosomes by gnomAD. ACMG/AMP Criteria applied: BA1.

Mendelics
Classification: Benign. Last evaluated: 2022-05-04. Review status: criteria provided, single submitter. Criteria: Mendelics Assertion Criteria 2019. Collection method: clinical testing. Allele origin: germline.

GeneDx
Classification: Benign. Last evaluated: 2019-12-05. Review status: criteria provided, single submitter. Criteria: GeneDx Variant Classification Process June 2021. Collection method: clinical testing. Allele origin: germline. Affected: yes.

Genetic Services Laboratory, University of Chicago
Classification: Likely benign. Last evaluated: 2014-05-06. Review status: criteria provided, single submitter. Criteria: ACMG Guidelines, 2015. Collection method: clinical testing. Allele origin: germline.

NM_001378454.1(ALMS1):c.1571CTC[1] (p.Pro525del)

Gene: ALMS1 (ALMS1 centrosome and basal body associated protein; plus strand). Cytogenetic location: 2p13.1.
Variant type: Microsatellite.
Coding change: c.1571CTC[1] on transcript NM_001378454.1 (MANE Select); one copy of the 3-base unit CTC starting at c.1571; the reference has two copies in a row; one copy, 3 bases deleted.
Protein change: p.Pro525del; deletes proline 525.
Molecular consequence: inframe deletion.
Genome position (GRCh38, 1-based): chr2:73,448,101-73,448,103, CTC deleted; deleting any 3 consecutive bases within chr2:73,448,098-73,448,103 gives the same sequence; the position shown is the placement nearest the transcript's 3' end. VCF-style (leftmost placement, unchanged base first): chr2-73448097-TCTC-T. GRCh37 (hg19) VCF-style: chr2-73675228-CTC-CTC.
Other names: c.1577_1579delCTC (NM_015120.4); c.1574CTC[1], p.Pro526del (NM_015120.4); short protein forms P526del, P525del.
Identifiers: ClinVar variation 210124 (VCV000210124.15), dbSNP rs34628045, ClinGen allele CA10575787.
Genomic context (GRCh38, chr2:73,448,097, plus strand): 5'-TCAGACATTGGATCTCATTTATCCTTGTCCCTTGAGGACCTGTCTCAGTTGGCTGTAAGT[TCTC>T]CTCTAGAAACTACTACTGGTCAACACACTGATACTCTCAACCAAAAGACATTAGCAGATA-3'